The following is an entry in ClinVar:

NM_015192.4(PLCB1):c.619T>A (p.Phe207Ile)

Gene: PLCB1 (phospholipase C beta 1; plus strand). Cytogenetic location: 20p12.3.
Variant type: single nucleotide variant.
Coding change: c.619T>A on transcript NM_015192.4 (MANE Select); coding-DNA position 619, T replaced by A.
Protein change: p.Phe207Ile; replaces phenylalanine 207 with isoleucine.
Molecular consequence: missense variant.
Genome position (GRCh38, 1-based): chr20:8,657,208, T>A. VCF-style: chr20-8657208-T-A. GRCh37 (hg19) VCF-style: chr20-8637855-T-A.
Other names: c.619T>A, p.Phe207Ile (NM_182734.3); short protein forms F207I.
Identifiers: ClinVar variation 1368166 (VCV001368166.8), dbSNP rs1358940714, ClinGen allele CA408263849.
Genomic context (GRCh38, chr20:8,657,208, plus strand): 5'-AAGACCATTTGCTGACTCCGTTGTTTTATTTCCCAGAATGATTCAATACCTCAAGAAGAT[T>A]TCACTCCAGAAGTGTACAGAGTTTTCCTCAACAACCTTTGCCCTCGACCTGAAATTGATA-3'
Protein context (NP_056007.1, residues 197-217): SRNDSIPQED[Phe207Ile]TPEVYRVFLN

ClinVar aggregate classification (germline): Uncertain significance (1 of 4 stars; one submission).

Conditions:
Developmental and epileptic encephalopathy, 12 (DEE12). Identifiers: MedGen C3150988, MONDO:0013389, OMIM 613722.

gnomAD v4.1: 2 of 1,607,548 alleles (0.00012%); highest among the groups gnomAD compares: Non-Finnish European, 0.00017%; no homozygotes.

Submission:

Labcorp Genetics (formerly Invitae), Labcorp
Classification: Uncertain significance for Developmental and epileptic encephalopathy, 12. Last evaluated: 2024-04-25. Review status: criteria provided, single submitter. Criteria: Invitae Variant Classification Sherloc (09022015). Collection method: clinical testing. Allele origin: germline.
Comment: This sequence change replaces phenylalanine, which is neutral and non-polar, with isoleucine, which is neutral and non-polar, at codon 207 of the PLCB1 protein (p.Phe207Ile). This variant is present in population databases (no rsID available, gnomAD 0.01%). This variant has not been reported in the literature in individuals affected with PLCB1-related conditions. ClinVar contains an entry for this variant (Variation ID: 1368166). Advanced modeling of protein sequence and biophysical properties (such as structural, functional, and spatial information, amino acid conservation, physicochemical variation, residue mobility, and thermodynamic stability) performed at Invitae indicates that this missense variant is expected to disrupt PLCB1 protein function with a positive predictive value of 80%. In summary, the available evidence is currently insufficient to determine the role of this variant in disease. Therefore, it has been classified as a Variant of Uncertain Significance.